The following is an entry in ClinVar:

NM_000110.4(DPYD):c.1139C>G (p.Ala380Gly)

Gene: DPYD (dihydropyrimidine dehydrogenase; minus strand). Cytogenetic location: 1p21.3.
Variant type: single nucleotide variant.
Coding change: c.1139C>G on transcript NM_000110.4 (MANE Select); coding-DNA position 1139, C replaced by G.
Protein change: p.Ala380Gly; replaces alanine 380 with glycine.
Molecular consequence: missense variant.
Genome position (GRCh38, 1-based): chr1:97,573,960, G>C on the plus strand (C>G on the coding strand, the complement: DPYD is on the minus strand). VCF-style: chr1-97573960-G-C. GRCh37 (hg19) VCF-style: chr1-98039516-G-C.
Other names: short protein forms A380G.
Identifiers: ClinVar variation 973462 (VCV000973462.5), dbSNP rs1354585423, ClinGen allele CA341379043.

ClinVar aggregate classification (germline): Uncertain significance. Review status: criteria provided, multiple submitters, no conflicts (2 of 4 stars). 3 submissions from 3 submitters: Uncertain significance (3). Last evaluated 2023-04-11.

Conditions:
Dihydropyrimidine dehydrogenase deficiency (DPYDD). Also called: Hereditary Thymine-Uraciluria; DPD DEFICIENCY; DPYD DEFICIENCY. Identifiers: Orphanet 1675, MedGen C1959620, MONDO:0010130, OMIM 274270.

Allele frequency attached by ClinVar (database versions not stated): gnomAD 0.00001; gnomAD exomes 0.00001; TOPMed 0.00001.
gnomAD v4.1: 8 of 1,613,270 alleles (0.0005%); highest among the groups gnomAD compares: Admixed American, 0.0067%; no homozygotes.

Submissions (3):

Genome-Nilou Lab
Classification: Uncertain significance for Dihydropyrimidine dehydrogenase deficiency. Last evaluated: 2023-04-11. Review status: criteria provided, single submitter. Criteria: ACMG Guidelines, 2015. Collection method: clinical testing. Allele origin: germline. Affected: no.

GeneDx
Classification: Uncertain significance. Last evaluated: 2022-09-28. Review status: criteria provided, single submitter. Criteria: GeneDx Variant Classification Process June 2021. Collection method: clinical testing. Allele origin: germline. Affected: yes.
Comment: Not observed at significant frequency in large population cohorts (gnomAD); In silico analysis supports that this missense variant has a deleterious effect on protein structure/function; Has not been previously published as pathogenic or benign to our knowledge

Elsea Laboratory, Baylor College of Medicine
Classification: Uncertain significance for Dihydropyrimidine dehydrogenase deficiency. Last evaluated: 2020-04-01. Review status: criteria provided, single submitter. Criteria: ACMG Guidelines, 2015. Collection method: clinical testing. Allele origin: maternal. Affected: no.